The following is an entry in ClinVar:

NM_001171613.2(PREPL):c.-49+1676G>C

Gene: PREPL (prolyl endopeptidase like; minus strand). Cytogenetic location: 2p21.
Variant type: single nucleotide variant.
Coding change: c.-49+1676G>C on transcript NM_001171613.2 (MANE Select); 1676 bases into the intron after 49 bases upstream of the start codon, G replaced by C.
Molecular consequence: intron variant. On other transcripts: missense variant (7).
Genome position (GRCh38, 1-based): chr2:44,359,704, C>G on the plus strand (G>C on the coding strand, the complement: PREPL is on the minus strand). VCF-style: chr2-44359704-C-G. GRCh37 (hg19) VCF-style: chr2-44586843-C-G.
Other names: c.12G>C, p.Lys4Asn (NM_001042385.2, NM_001042386.2, NM_001171603.1 and 4 more transcripts); c.-49+1820G>C (NM_001171617.1); c.-49+1713G>C (NM_001374277.1); short protein forms K4N.
Identifiers: ClinVar variation 1061209 (VCV001061209.10), dbSNP rs760360976, ClinGen allele CA346695184.
Genomic context (GRCh38, chr2:44,359,704, plus strand): 5'-CTGCATGCATTTTCCAAGGTGAGGAATACTATACTTCAAAGCTTGGAGAAATAATTTGGT[C>G]TTCTGCTGCATGATATCAAAGTCCCTGGTTTATGCTCCTTTTGGGGCTGCCAGCACACGA-3'

ClinVar aggregate classification (germline): Uncertain significance. Review status: criteria provided, multiple submitters, no conflicts (2 of 4 stars). 2 submissions from 2 submitters: Uncertain significance (2). Last evaluated 2025-10-01.

Conditions:
Myasthenic syndrome, congenital, 22 (CMS22). Also called: PREPL DEFICIENCY. Identifiers: MedGen C4479088, MONDO:0044299, OMIM 616224.
Inborn genetic diseases. Identifiers: MedGen C0950123, MeSH D030342.

gnomAD v4.1: 5 of 1,609,250 alleles (0.00031%); highest among the groups gnomAD compares: Non-Finnish European, 0.00034%; no homozygotes.

Submissions (2):

Ambry Genetics
Classification: Uncertain significance for Inborn genetic diseases. Last evaluated: 2025-10-01. Review status: criteria provided, single submitter. Criteria: Ambry Variant Classification Scheme 2023. Collection method: clinical testing. Allele origin: germline.

Labcorp Genetics (formerly Invitae), Labcorp
Classification: Uncertain significance for Myasthenic syndrome, congenital, 22. Last evaluated: 2020-09-04. Review status: criteria provided, single submitter. Criteria: Invitae Variant Classification Sherloc (09022015). Collection method: clinical testing. Allele origin: germline.
Comment: In summary, the available evidence is currently insufficient to determine the role of this variant in disease. Therefore, it has been classified as a Variant of Uncertain Significance. Algorithms developed to predict the effect of missense changes on protein structure and function (SIFT, PolyPhen-2, Align-GVGD) all suggest that this variant is likely to be tolerated, but these predictions have not been confirmed by published functional studies and their clinical significance is uncertain. This variant has not been reported in the literature in individuals with PREPL-related conditions. This variant is not present in population databases (ExAC no frequency). This sequence change replaces lysine with asparagine at codon 4 of the PREPL protein (p.Lys4Asn). The lysine residue is moderately conserved and there is a moderate physicochemical difference between lysine and asparagine.